The following is an entry in ClinVar:

NM_181523.3(PIK3R1):c.1229A>G (p.Asn410Ser)

Gene: PIK3R1 (phosphoinositide-3-kinase regulatory subunit 1; plus strand). Cytogenetic location: 5q13.1.
Variant type: single nucleotide variant.
Coding change: c.1229A>G on transcript NM_181523.3 (MANE Select); coding-DNA position 1229, A replaced by G.
Protein change: p.Asn410Ser; replaces asparagine 410 with serine.
Molecular consequence: missense variant.
Genome position (GRCh38, 1-based): chr5:68,293,413, A>G. VCF-style: chr5-68293413-A-G. GRCh37 (hg19) VCF-style: chr5-67589241-A-G.
Other names: c.140A>G, p.Asn47Ser (NM_001242466.2); c.419A>G, p.Asn140Ser (NM_181504.4); c.329A>G, p.Asn110Ser (NM_181524.2); short protein forms N140S, N47S, N110S, N410S.
Identifiers: ClinVar variation 4793028 (VCV004793028.1).

ClinVar aggregate classification (germline): Uncertain significance (1 of 4 stars; one submission).

Conditions:
Agammaglobulinemia 7, autosomal recessive (AGM7). Also called: AGAMMAGLOBULINEMIA, AUTOSOMAL RECESSIVE, DUE TO PIK3R1 DEFECT. Identifiers: MedGen C3554689, MONDO:0014083, OMIM 615214.
SHORT syndrome. Also called: SHORT STATURE, HYPEREXTENSIBILITY, HERNIA, OCULAR DEPRESSION, RIEGER ANOMALY, AND TEETHING DELAY; LIPODYSTROPHY, PARTIAL, WITH RIEGER ANOMALY AND SHORT STATURE; PIK3R1-Related SHORT Syndrome. Identifiers: Orphanet 3163, MedGen C0878684, MONDO:0010026, OMIM 269880.
Immunodeficiency 36 with lymphoproliferation. Also called: Immunodeficiency 36; Activated PI3K Delta Syndrome Type 2 (APDS2); ACTIVATED PI3K-DELTA SYNDROME 2. Identifiers: Orphanet 397596, Orphanet 693681, MedGen C4014934, MONDO:0014453, OMIM 616005.

Submission:

Labcorp Genetics (formerly Invitae), Labcorp
Classification: Uncertain significance for SHORT syndrome; Immunodeficiency 36 with lymphoproliferation; Agammaglobulinemia 7, autosomal recessive. Last evaluated: 2025-03-13. Review status: criteria provided, single submitter. Criteria: Invitae Variant Classification Sherloc (09022015). Collection method: clinical testing. Allele origin: germline.
Comment: This sequence change replaces asparagine, which is neutral and polar, with serine, which is neutral and polar, at codon 410 of the PIK3R1 protein (p.Asn410Ser). This variant is not present in population databases (gnomAD no frequency). This variant has not been reported in the literature in individuals affected with PIK3R1-related conditions. Invitae Evidence Modeling of protein sequence and biophysical properties (such as structural, functional, and spatial information, amino acid conservation, physicochemical variation, residue mobility, and thermodynamic stability) indicates that this missense variant is not expected to disrupt PIK3R1 protein function with a negative predictive value of 80%. In summary, the available evidence is currently insufficient to determine the role of this variant in disease. Therefore, it has been classified as a Variant of Uncertain Significance.